The following is an entry in ClinVar:

ClinVar aggregate classification (germline): Uncertain significance (1 of 4 stars; one submission).

Submission:

Quest Diagnostics Nichols Institute San Juan Capistrano
Classification: Uncertain significance. Last evaluated: 2023-02-06. Review status: criteria provided, single submitter. Criteria: Quest Diagnostics criteria. Collection method: clinical testing. Allele origin: unknown.
Comment: This variant has not been reported in the published literature. It also has not been reported in large, multi-ethnic general populations. Analysis of this variant using bioinformatics tools for the prediction of the effect of amino acid changes on protein structure and function yielded predictions that this variant is benign. Based on the available information, we are unable to determine the clinical significance of this variant.

NM_000059.4(BRCA2):c.9471G>C (p.Glu3157Asp)

Gene: BRCA2 (BRCA2 DNA repair associated; plus strand). Cytogenetic location: 13q13.1.
Variant type: single nucleotide variant.
Coding change: c.9471G>C on transcript NM_000059.4 (MANE Select); coding-DNA position 9471, G replaced by C.
Protein change: p.Glu3157Asp; replaces glutamic acid 3157 with aspartic acid.
Molecular consequence: missense variant. On other transcripts: non-coding transcript variant (1).
Genome position (GRCh38, 1-based): chr13:32,394,903, G>C. VCF-style: chr13-32394903-G-C. GRCh37 (hg19) VCF-style: chr13-32969040-G-C.
Other names: c.9375G>C, p.Glu3125Asp (NM_001406719.1); c.9420G>C, p.Glu3140Asp (NM_001406720.1); c.4539G>C, p.Glu1513Asp (NM_001406721.1); c.3054G>C, p.Glu1018Asp (NM_001406722.1); short protein forms E1018D, E1513D, E3125D, E3140D, E3157D.
Identifiers: ClinVar variation 2681846 (VCV002681846.1), dbSNP rs1555289605, ClinGen allele CA387761754.